The following is an entry in ClinVar:

ClinVar aggregate classification (germline): Uncertain significance (1 of 4 stars; one submission).

Submission:

Labcorp Genetics (formerly Invitae), Labcorp
Classification: Uncertain significance. Last evaluated: 2024-06-03. Review status: criteria provided, single submitter. Criteria: Invitae Variant Classification Sherloc (09022015). Collection method: clinical testing. Allele origin: germline.
Comment: This sequence change replaces phenylalanine, which is neutral and non-polar, with serine, which is neutral and polar, at codon 1129 of the FOCAD protein (p.Phe1129Ser). This variant is not present in population databases (gnomAD no frequency). This variant has not been reported in the literature in individuals affected with FOCAD-related conditions. Experimental studies and prediction algorithms are not available or were not evaluated, and the functional significance of this variant is currently unknown. In summary, the available evidence is currently insufficient to determine the role of this variant in disease. Therefore, it has been classified as a Variant of Uncertain Significance.

NM_001375567.1(FOCAD):c.3386T>C (p.Phe1129Ser)

Gene: FOCAD (focadhesin; plus strand). Cytogenetic location: 9p21.3.
Variant type: single nucleotide variant.
Coding change: c.3386T>C on transcript NM_001375567.1 (MANE Select); coding-DNA position 3386, T replaced by C.
Protein change: p.Phe1129Ser; replaces phenylalanine 1129 with serine.
Molecular consequence: missense variant.
Genome position (GRCh38, 1-based): chr9:20,933,082, T>C. VCF-style: chr9-20933082-T-C. GRCh37 (hg19) VCF-style: chr9-20933081-T-C.
Other names: c.3281T>C, p.Phe1094Ser (NM_001375568.1, NM_001375570.1); c.3386T>C, p.Phe1129Ser (NM_017794.5); short protein forms F1094S, F1129S.
Identifiers: ClinVar variation 3639632 (VCV003639632.2).